The following is an entry in ClinVar:

NM_005359.6(SMAD4):c.996T>C (p.Asp332=)

Gene: SMAD4 (SMAD family member 4; plus strand). Cytogenetic location: 18q21.2.
Variant type: single nucleotide variant.
Coding change: c.996T>C on transcript NM_005359.6 (MANE Select); coding-DNA position 996, T replaced by C.
Protein change: p.Asp332=; no amino-acid change (aspartic acid 332 retained).
Molecular consequence: synonymous variant. On other transcripts: non-coding transcript variant (2).
Genome position (GRCh38, 1-based): chr18:51,065,463, T>C. VCF-style: chr18-51065463-T-C. GRCh37 (hg19) VCF-style: chr18-48591833-T-C.
Other names: c.996T>C, p.Asp332= (NM_001407042.1, NM_001407043.1, NM_001407041.1).
Identifiers: ClinVar variation 3903758 (VCV003903758.1).

ClinVar aggregate classification (germline): Benign (1 of 4 stars; one submission).

Conditions:
Juvenile polyposis/hereditary hemorrhagic telangiectasia syndrome (JPHT). Also called: JP/HHT SYNDROME; JUVENILE POLYPOSIS WITH HEREDITARY HEMORRHAGIC TELANGIECTASIA; POLYPOSIS, GENERALIZED JUVENILE, WITH PULMONARY ARTERIOVENOUS MALFORMATION; TELANGIECTASIA, HEREDITARY HEMORRHAGIC, WITH JUVENILE POLYPOSIS COLI; Juvenile Polyposis Syndrome / Hereditary Hemorrhagic Telangiectasia (JPS/HHT). Identifiers: Orphanet 2929, MedGen C1832942, MONDO:0008278, OMIM 175050.

Submission:

Myriad Genetics, Inc.
Classification: Benign for Juvenile polyposis/hereditary hemorrhagic telangiectasia syndrome. Last evaluated: 2025-03-20. Review status: criteria provided, single submitter. Criteria: Myriad Autosomal Dominant, Autosomal Recessive and X-Linked Classification Criteria (2023). Collection method: clinical testing. Allele origin: unknown.
Comment: This variant is considered benign. This variant is a silent/synonymous amino acid change and it is not expected to impact splicing.